The following is an entry in ClinVar:

ClinVar aggregate classification (germline): Uncertain significance (1 of 4 stars; one submission).

Conditions:
Cardiomyopathy (CMYO). Also called: Cardiomyopathies. Identifiers: Orphanet 167848, MedGen C0878544, MONDO:0004994, HP:0001638. Inheritance: Various modes of inheritance.

Submission:

Color Diagnostics, LLC DBA Color Health
Classification: Uncertain significance for Cardiomyopathy. Last evaluated: 2021-04-13. Review status: criteria provided, single submitter. Criteria: ACMG Guidelines, 2015. Collection method: clinical testing. Allele origin: germline.
Comment: This variant inserts 1 nucleotide in exon 12 of the DSG2 gene, creating a frameshift and premature translation stop signal. This variant is expected to result in an absent or non-functional protein product. To our knowledge, this variant has not been reported in individuals affected with cardiovascular disorders in the literature. This variant has not been identified in the general population by the Genome Aggregation Database (gnomAD). Although there is a suspicion for a pathogenic role, clinical relevance of loss-of-function DSC2 truncation and splice variants in autosomal dominant arrhythmogenic cardiomyopathy is not yet clearly established. The available evidence is insufficient to determine the role of this variant in disease conclusively. Therefore, this variant is classified as a Variant of Uncertain Significance.

NM_001943.5(DSG2):c.1696dup (p.Ser566fs)

Gene: DSG2 (desmoglein 2; plus strand). Cytogenetic location: 18q12.1.
Variant type: Duplication.
Coding change: c.1696dup on transcript NM_001943.5 (MANE Select); coding-DNA position 1696, one base duplicated (A; older notation c.1696dupA).
Protein change: p.Ser566fs; shifts the reading frame from serine 566.
Molecular consequence: frameshift variant.
Genome position (GRCh38, 1-based): chr18:31,538,795, A duplicated; the last of 2 consecutive A bases (chr18:31,538,794-31,538,795); duplicating either gives the same sequence. VCF-style (leftmost placement, unchanged base first): chr18-31538793-G-GA. GRCh37 (hg19) VCF-style: chr18-29118756-G-GA.
Other names: short protein forms S566fs.
Identifiers: ClinVar variation 1332360 (VCV001332360.2), dbSNP rs2144346503, ClinGen allele CA2573054650.